The following is an entry in ClinVar:

NM_001010942.3(RAP1B):c.58-4dup

Gene: RAP1B (RAP1B, member of RAS oncogene family; plus strand). Cytogenetic location: 12q15.
Variant type: Duplication.
Coding change: c.58-4dup on transcript NM_001010942.3 (MANE Select); 4 bases into the intron before coding-DNA position 58, one base duplicated (T; older notation c.58-4dupT).
Molecular consequence: intron variant.
Genome position (GRCh38, 1-based): chr12:68,650,396, T duplicated; the last of 9 consecutive T bases (chr12:68,650,388-68,650,396); duplicating any one gives the same sequence. VCF-style (leftmost placement, unchanged base first): chr12-68650387-A-AT. GRCh37 (hg19) VCF-style: chr12-69044167-A-AT.
Other names: c.58-4dup (NM_015646.6, NM_001251922.2, NM_001251921.2); c.57+1615dup (NM_001251917.2, NM_001251918.2).
Identifiers: ClinVar variation 3041426 (VCV003041426.3), dbSNP rs747450838, ClinGen allele CA6677091.

ClinVar aggregate classification (germline): Likely benign. Review status: criteria provided, single submitter (1 of 4 stars). 2 submissions from 2 submitters: Likely benign (1). 1 of the submissions does not count toward it. Last evaluated 2024-11-27.

Conditions:
RAP1B-related disorder. Also called: RAP1B-related condition.

Submissions (2):

Blueprint Genetics
Classification: Likely benign. Last evaluated: 2024-11-27. Review status: criteria provided, single submitter. Criteria: ACMG Guidelines, 2015. Collection method: clinical testing. Allele origin: germline.

PreventionGenetics, part of Exact Sciences
Classification: Likely benign for RAP1B-related condition. Last evaluated: 2019-06-06. Review status: no assertion criteria provided. Collection method: clinical testing. Allele origin: germline. Not counted in ClinVar's aggregate classification.
Comment: This variant is classified as likely benign based on ACMG/AMP sequence variant interpretation guidelines (Richards et al. 2015 PMID: 25741868, with internal and published modifications).